The following is an entry in ClinVar:

NM_000088.4(COL1A1):c.2923C>G (p.Leu975Val)

Gene: COL1A1 (collagen type I alpha 1 chain; minus strand). Cytogenetic location: 17q21.33.
Variant type: single nucleotide variant.
Coding change: c.2923C>G on transcript NM_000088.4 (MANE Select); coding-DNA position 2923, C replaced by G.
Protein change: p.Leu975Val; replaces leucine 975 with valine.
Molecular consequence: missense variant.
Genome position (GRCh38, 1-based): chr17:50,189,182, G>C on the plus strand (C>G on the coding strand, the complement: COL1A1 is on the minus strand). VCF-style: chr17-50189182-G-C. GRCh37 (hg19) VCF-style: chr17-48266543-G-C.
Other names: short protein forms L975V.
Identifiers: ClinVar variation 4005091 (VCV004005091.1).

ClinVar aggregate classification (germline): Uncertain significance (1 of 4 stars; one submission).

Conditions:
Cardiovascular phenotype. Identifiers: MedGen CN230736.

gnomAD v4.1: 7 of 1,613,836 alleles (0.00043%); highest among the groups gnomAD compares: Non-Finnish European, 0.00034%; no homozygotes.

Submission:

Ambry Genetics
Classification: Uncertain significance for Cardiovascular phenotype. Last evaluated: 2025-05-31. Review status: criteria provided, single submitter. Criteria: Ambry Variant Classification Scheme 2023. Collection method: clinical testing. Allele origin: germline.
Comment: The p.L975V variant (also known as c.2923C>G), located in coding exon 40 of the COL1A1 gene, results from a C to G substitution at nucleotide position 2923. The leucine at codon 975 is replaced by valine, an amino acid with highly similar properties. This amino acid position is well conserved in available vertebrate species. In addition, the in silico prediction for this alteration is inconclusive. Based on the available evidence, the clinical significance of this variant remains unclear.